The following is an entry in ClinVar:

ClinVar aggregate classification (germline): Uncertain significance (1 of 4 stars; one submission).

Conditions:
POLD1-related polyposis and colorectal cancer syndrome (CRCS10). Also called: COLORECTAL CANCER, SUSCEPTIBILITY TO, ON CHROMOSOME 19q; Colorectal cancer 10; Colorectal cancer, susceptibility to, 10. Identifiers: Orphanet 220460, MedGen C2675481, MONDO:0012953, OMIM 612591.

Submission:

Labcorp Genetics (formerly Invitae), Labcorp
Classification: Uncertain significance for POLD1-related polyposis and colorectal cancer syndrome. Last evaluated: 2022-09-25. Review status: criteria provided, single submitter. Criteria: Invitae Variant Classification Sherloc (09022015). Collection method: clinical testing. Allele origin: germline.
Comment: This sequence change falls in intron 25 of the POLD1 gene. It does not directly change the encoded amino acid sequence of the POLD1 protein. This variant is not present in population databases (gnomAD no frequency). This variant has not been reported in the literature in individuals affected with POLD1-related conditions. Algorithms developed to predict the effect of sequence changes on RNA splicing suggest that this variant may create or strengthen a splice site. In summary, the available evidence is currently insufficient to determine the role of this variant in disease. Therefore, it has been classified as a Variant of Uncertain Significance.

NM_002691.4(POLD1):c.3121-7T>A

Gene: POLD1 (DNA polymerase delta 1, catalytic subunit; plus strand). Cytogenetic location: 19q13.33.
Variant type: single nucleotide variant.
Coding change: c.3121-7T>A on transcript NM_002691.4 (MANE Select); 7 bases into the intron before coding-DNA position 3121, T replaced by A.
Molecular consequence: intron variant.
Genome position (GRCh38, 1-based): chr19:50,417,165, T>A. VCF-style: chr19-50417165-T-A. GRCh37 (hg19) VCF-style: chr19-50920422-T-A.
Other names: c.3121-7T>A (NM_001256849.1); c.3199-7T>A (NM_001308632.1).
Identifiers: ClinVar variation 2418081 (VCV002418081.6), dbSNP rs2514076709, ClinGen allele CA2580097918.